The following is an entry in ClinVar:

ClinVar aggregate classification (germline): Uncertain significance (1 of 4 stars; one submission).

Conditions:
Epidermolysis bullosa simplex 3, localized or generalized intermediate, with BP230 deficiency (EBS3). Also called: Epidermolysis bullosa simplex due to BP230 deficiency; Epidermolysis bullosa simplex, autosomal recessive 2. Identifiers: Orphanet 412181, MedGen C3809470, MONDO:0014180, OMIM 615425.
Hereditary sensory and autonomic neuropathy type 6. Also called: HSAN VI; Neuropathy, hereditary sensory and autonomic, type VI. Identifiers: Orphanet 314381, MedGen C3539003, MONDO:0013839, OMIM 614653.

gnomAD v4.1: 1 of 1,614,186 alleles (0.000062%); no homozygotes.

Submission:

Labcorp Genetics (formerly Invitae), Labcorp
Classification: Uncertain significance for Epidermolysis bullosa simplex 3, localized or generalized intermediate, with BP230 deficiency; Hereditary sensory and autonomic neuropathy type 6. Last evaluated: 2018-11-20. Review status: criteria provided, single submitter. Criteria: Invitae Variant Classification Sherloc (09022015). Collection method: clinical testing. Allele origin: germline.
Comment: In summary, the available evidence is currently insufficient to determine the role of this variant in disease. Therefore, it has been classified as a Variant of Uncertain Significance. Algorithms developed to predict the effect of missense changes on protein structure and function (SIFT, PolyPhen-2, Align-GVGD) all suggest that this variant is likely to be disruptive, but these predictions have not been confirmed by published functional studies and their clinical significance is uncertain. This variant has not been reported in the literature in individuals with DST-related conditions. This variant is not present in population databases (ExAC no frequency). This sequence change replaces leucine with proline at codon 1688 of the DST protein (p.Leu1688Pro). The leucine residue is highly conserved and there is a moderate physicochemical difference between leucine and proline.

NM_001723.7(DST):c.5063T>C (p.Leu1688Pro)

Gene: DST (dystonin; minus strand). Cytogenetic location: 6p12.1.
Variant type: single nucleotide variant.
Coding change: c.5063T>C on transcript NM_001723.7 (MANE Plus Clinical); coding-DNA position 5063, T replaced by C.
Protein change: p.Leu1688Pro; replaces leucine 1688 with proline.
Molecular consequence: missense variant. On other transcripts: intron variant (10).
Genome position (GRCh38, 1-based): chr6:56,618,971, A>G on the plus strand (T>C on the coding strand, the complement: DST is on the minus strand). VCF-style: chr6-56618971-A-G. GRCh37 (hg19) VCF-style: chr6-56483769-A-G.
Other names: c.4831-4487T>C (NM_001144769.5); c.4930-4487T>C (NM_001374722.1, NM_001374736.1); c.4957-4487T>C (NM_001374734.1); c.4417-4487T>C (NM_001144770.2); c.4297-4487T>C (NM_001374730.1, NM_001386100.1, NM_183380.4 and 1 more transcripts); c.3319-4487T>C (NM_015548.5); short protein forms L1688P.
Identifiers: ClinVar variation 665194 (VCV000665194.9), dbSNP rs982940689, ClinGen allele CA139209288.
Genomic context (GRCh38, chr6:56,618,971, plus strand): 5'-TGAGCTTGTTGTAGCTGAACTTTCTGCTCCCCGCGTCGCTTCTCTTCTTTGGAAGCATTC[A>G]GTTCCGCATTCAGATTTCTAACTTCTTTCTTGGTATTCTGGATGATAATGTTCTGTTGGT-3'
Protein context (NP_001714.1, residues 1678-1698): KKEVRNLNAE[Leu1688Pro]NASKEEKRRG